The following is an entry in ClinVar:

ClinVar aggregate classification (germline): Conflicting classifications of pathogenicity. Review status: criteria provided, conflicting classifications (1 of 4 stars). 4 submissions from 4 submitters: Uncertain significance (3); Likely benign (1). Last evaluated 2026-06-25.

Submissions (4):

GeneDx
Classification: Uncertain significance. Last evaluated: 2026-06-25. Review status: criteria provided, single submitter. Criteria: GeneDx Variant Classification Process June 2021. Collection method: clinical testing. Allele origin: germline.
Comment: Not observed at significant frequency in large population cohorts (gnomAD); Frameshift variant predicted to result in protein truncation or nonsense mediated decay in a gene or region of a gene for which loss of function is not a well-established mechanism of disease; This variant is associated with the following publications: (PMID: 37332650)

Athena Diagnostics
Classification: Likely benign. Last evaluated: 2025-09-17. Review status: criteria provided, single submitter. Criteria: Athena Diagnostics Criteria. Collection method: clinical testing. Allele origin: unknown.
Comment: In the context of this gene, the nature of this variant on its own does not support pathogenicity. The frequency of this variant in the general population is higher than would generally be expected for pathogenic variants in this gene. This variant has been seen where an alternate explanation for disease was also identified.

Women's Health and Genetics/Laboratory Corporation of America, LabCorp
Classification: Uncertain significance. Last evaluated: 2025-07-25. Review status: criteria provided, single submitter. Criteria: LabCorp Variant Classification Summary - May 2015. Collection method: clinical testing. Allele origin: germline.
Comment: Variant summary: TGM6 c.1430_1431delins24 (p.Gly477ValfsX15) results in a premature termination codon, predicted to cause a truncation of the encoded protein or absence of the protein due to nonsense mediated decay, however current evidence is not sufficient to establish loss of function as a mechanism for disease. The variant allele was found at a frequency of 0.00048 in 150980 control chromosomes based on the frequency of 20-2417970-G-GTCTCT and 20-2397972-G-GCGTGACGACCTCCTGGA that form this large indel variant. This frequency is not significantly higher than estimated for a pathogenic variant in TGM6 causing Spinocerebellar Ataxia 35, allowing no conclusion about variant significance. To our knowledge, no occurrence of c.1430_1431delins24 in individuals affected with Spinocerebellar Ataxia 35 and no experimental evidence demonstrating its impact on protein function have been reported. ClinVar contains an entry for this variant (Variation ID: 1701416). Based on the evidence outlined above, the variant was classified as uncertain significance.

CeGaT Center for Human Genetics Tuebingen
Classification: Uncertain significance. Last evaluated: 2021-11-01. Review status: criteria provided, single submitter. Criteria: CeGaT Center For Human Genetics Tuebingen Variant Classification Criteria Version 2. Collection method: clinical testing. Allele origin: germline. Affected: yes. Observed: 2 variant alleles.

Literature cited by the submitters: PubMed 37332650 (cited by Athena Diagnostics).

NM_198994.3(TGM6):c.1430_1431delinsTCTCTGGCGTGACGACCTCCTGGA (p.Gly477fs)

Gene: TGM6 (transglutaminase 6; plus strand). Cytogenetic location: 20p13.
Variant type: Indel.
Coding change: c.1430_1431delinsTCTCTGGCGTGACGACCTCCTGGA on transcript NM_198994.3 (MANE Select); coding-DNA positions 1430 to 1431, GG replaced by TCTCTGGCGTGACGACCTCCTGGA.
Protein change: p.Gly477fs; shifts the reading frame from glycine 477.
Molecular consequence: frameshift variant.
Genome position (GRCh38, 1-based): chr20:2,417,325-2,417,326, GG replaced by TCTCTGGCGTGACGACCTCCTGGA. VCF-style: chr20-2417325-GG-TCTCTGGCGTGACGACCTCCTGGA. GRCh37 (hg19) VCF-style: chr20-2397971-GG-TCTCTGGCGTGACGACCTCCTGGA.
Other names: c.1430_1431delinsTCTCTGGCGTGACGACCTCCTGGA (NM_198994.2); c.1430_1431delinsTCTCTGGCGTGACGACCTCCTGGA, p.Gly477fs (NM_001254734.2); short protein forms G477fs.
Identifiers: ClinVar variation 1701416 (VCV001701416.34), dbSNP rs2122409537, ClinGen allele CA2580098065.